The following is an entry in ClinVar:

ClinVar aggregate classification (germline): Pathogenic. Review status: criteria provided, multiple submitters, no conflicts (2 of 4 stars). 2 submissions from 2 submitters: Pathogenic (2). Last evaluated 2025-07-19.

Conditions:
Neurofibromatosis, type 1 (NF1). Also called: NEUROFIBROMATOSIS, TYPE I, SOMATIC; Neurofibromatosis, type I; Peripheral type neurofibromatosis; VON RECKLINGHAUSEN DISEASE. Identifiers: Orphanet 636, MedGen C0027831, MONDO:0018975, OMIM 162200. Disease mechanism: loss of function.

Submissions (2):

GeneDx
Classification: Pathogenic. Last evaluated: 2025-07-19. Review status: criteria provided, single submitter. Criteria: GeneDx Variant Classification Process June 2021. Collection method: clinical testing. Allele origin: germline.
Comment: Frameshift variant predicted to result in protein truncation or nonsense mediated decay in a gene for which loss of function is a known mechanism of disease; Not observed at significant frequency in large population cohorts (gnomAD); Has not been previously published as pathogenic or benign to our knowledge

Labcorp Genetics (formerly Invitae), Labcorp
Classification: Pathogenic for Neurofibromatosis, type 1. Last evaluated: 2020-08-25. Review status: criteria provided, single submitter. Criteria: Invitae Variant Classification Sherloc (09022015). Collection method: clinical testing. Allele origin: germline.
Comment: This variant has not been reported in the literature in individuals with NF1-related conditions. This variant is not present in population databases (ExAC no frequency). This sequence change creates a premature translational stop signal (p.Gln576Leufs*13) in the NF1 gene. It is expected to result in an absent or disrupted protein product. Loss-of-function variants in NF1 are known to be pathogenic (PMID: 10712197, 23913538). For these reasons, this variant has been classified as Pathogenic.

Literature cited by the submitters: PubMed 10712197 (cited by Labcorp Genetics (formerly Invitae), Labcorp); PubMed 23913538 (cited by Labcorp Genetics (formerly Invitae), Labcorp).

NM_001042492.3(NF1):c.1726_1727insTTTT (p.Gln576fs)

Gene: NF1 (neurofibromin 1; plus strand). Cytogenetic location: 17q11.2.
Variant type: Insertion.
Coding change: c.1726_1727insTTTT on transcript NM_001042492.3 (MANE Select); coding-DNA positions 1726 to 1727, TTTT inserted.
Protein change: p.Gln576fs; shifts the reading frame from glutamine 576.
Molecular consequence: frameshift variant.
Genome position: GRCh38 VCF-style: chr17-31223448-C-CTTTT. GRCh37 (hg19) VCF-style: chr17-29550466-C-CTTTT.
Other names: c.1726_1727insTTTT, p.Gln576Leufs (NM_000267.4); short protein forms Q576fs.
Identifiers: ClinVar variation 1073560 (VCV001073560.7), dbSNP rs2144015567, ClinGen allele CA2499224008.